The following is an entry in ClinVar:

NM_002538.4(OCLN):c.-75G>A

Gene: OCLN (occludin; plus strand). Cytogenetic location: 5q13.2.
Variant type: single nucleotide variant.
Coding change: c.-75G>A on transcript NM_002538.4; 75 bases upstream of the start codon, G replaced by A.
Molecular consequence: 5 prime UTR variant.
Genome position (GRCh38, 1-based): chr5:69,492,653, G>A. VCF-style: chr5-69492653-G-A. GRCh37 (hg19) VCF-style: chr5-68788480-G-A.
Other names: c.-75G>A (NM_001410743.1); c.-126G>A (NM_001438604.1).
Identifiers: ClinVar variation 387208 (VCV000387208.3), dbSNP rs571200988, ClinGen allele CA16605379.
Genomic context (GRCh38, chr5:69,492,653, plus strand): 5'-CTGGCGGAGGCGGCAGGAACCGAGAGCCAGGTCCAGAGCGCCGAGGAGCCGGTCTAGGAC[G>A]CAGCAGGTGGGACTCGCGGCGCTGGCCCGCAGGCTTCCCGCACCCCCTTCCACGTTGGTG-3'

ClinVar aggregate classification (germline): Likely benign (1 of 4 stars; one submission).

Allele frequency attached by ClinVar (database versions not stated): TOPMed 0.00002; gnomAD 0.00019 and 0.00022; 1000 Genomes Project 0.00020; 1000 Genomes Project 30x 0.00016.

Submission:

GeneDx
Classification: Likely benign. Last evaluated: 2016-06-30. Review status: criteria provided, single submitter. Criteria: GeneDx Variant Classification (06012015). Collection method: clinical testing. Allele origin: germline. Affected: yes.
Comment: This variant is considered likely benign or benign based on one or more of the following criteria: it is a conservative change, it occurs at a poorly conserved position in the protein, it is predicted to be benign by multiple in silico algorithms, and/or has population frequency not consistent with disease.